The following is an entry in ClinVar:

ClinVar aggregate classification (germline): Uncertain significance (1 of 4 stars; one submission).

Submission:

Labcorp Genetics (formerly Invitae), Labcorp
Classification: Uncertain significance. Last evaluated: 2024-06-05. Review status: criteria provided, single submitter. Criteria: Invitae Variant Classification Sherloc (09022015). Collection method: clinical testing. Allele origin: germline.
Comment: This sequence change replaces aspartic acid, which is acidic and polar, with alanine, which is neutral and non-polar, at codon 1620 of the PCLO protein (p.Asp1620Ala). This variant is not present in population databases (gnomAD no frequency). This variant has not been reported in the literature in individuals affected with PCLO-related conditions. ClinVar contains an entry for this variant (Variation ID: 1413295). Experimental studies and prediction algorithms are not available or were not evaluated, and the functional significance of this variant is currently unknown. In summary, the available evidence is currently insufficient to determine the role of this variant in disease. Therefore, it has been classified as a Variant of Uncertain Significance.

NM_033026.6(PCLO):c.4859A>C (p.Asp1620Ala)

Gene: PCLO (piccolo presynaptic cytomatrix protein; minus strand). Cytogenetic location: 7q21.11.
Variant type: single nucleotide variant.
Coding change: c.4859A>C on transcript NM_033026.6 (MANE Select); coding-DNA position 4859, A replaced by C.
Protein change: p.Asp1620Ala; replaces aspartic acid 1620 with alanine.
Molecular consequence: missense variant.
Genome position (GRCh38, 1-based): chr7:82,956,094, T>G on the plus strand (A>C on the coding strand, the complement: PCLO is on the minus strand). VCF-style: chr7-82956094-T-G. GRCh37 (hg19) VCF-style: chr7-82585410-T-G.
Other names: c.4859A>C, p.Asp1620Ala (NM_014510.3); short protein forms D1620A.
Identifiers: ClinVar variation 1413295 (VCV001413295.6), dbSNP rs1795509894, ClinGen allele CA367925815.